The following is an entry in ClinVar:

NM_003200.5(TCF3):c.418C>T (p.Pro140Ser)

Gene: TCF3 (transcription factor 3; minus strand). Cytogenetic location: 19p13.3.
Variant type: single nucleotide variant.
Coding change: c.418C>T on transcript NM_003200.5 (MANE Select); coding-DNA position 418, C replaced by T.
Protein change: p.Pro140Ser; replaces proline 140 with serine.
Molecular consequence: missense variant.
Genome position (GRCh38, 1-based): chr19:1,625,657, G>A on the plus strand (C>T on the coding strand, the complement: TCF3 is on the minus strand). VCF-style: chr19-1625657-G-A. GRCh37 (hg19) VCF-style: chr19-1625656-G-A.
Other names: c.418C>T, p.Pro140Ser (NM_001136139.4, NM_001351778.2, NM_001351779.2); short protein forms P140S.
Identifiers: ClinVar variation 4744318 (VCV004744318.1).

ClinVar aggregate classification (germline): Uncertain significance (1 of 4 stars; one submission).

Submission:

Labcorp Genetics (formerly Invitae), Labcorp
Classification: Uncertain significance. Last evaluated: 2025-08-08. Review status: criteria provided, single submitter. Criteria: Invitae Variant Classification Sherloc (09022015). Collection method: clinical testing. Allele origin: germline.
Comment: This sequence change replaces proline, which is neutral and non-polar, with serine, which is neutral and polar, at codon 140 of the TCF3 protein (p.Pro140Ser). This variant is not present in population databases (gnomAD no frequency). This variant has not been reported in the literature in individuals affected with TCF3-related conditions. Invitae Evidence Modeling of protein sequence and biophysical properties (such as structural, functional, and spatial information, amino acid conservation, physicochemical variation, residue mobility, and thermodynamic stability) indicates that this missense variant is not expected to disrupt TCF3 protein function with a negative predictive value of 80%. In summary, the available evidence is currently insufficient to determine the role of this variant in disease. Therefore, it has been classified as a Variant of Uncertain Significance.